The following is an entry in ClinVar:

ClinVar aggregate classification (germline): Uncertain significance (1 of 4 stars; one submission).

Conditions:
Hereditary pheochromocytoma and paraganglioma. Also called: Hereditary paragangliomas and pheochromocytomas; Hereditary Paraganglioma-Pheochromocytoma Syndromes; Hereditary pheochromocytoma-paraganglioma. Identifiers: Orphanet 29072, MedGen C4274332, MONDO:0017366.

Submission:

Labcorp Genetics (formerly Invitae), Labcorp
Classification: Uncertain significance for Hereditary pheochromocytoma and paraganglioma. Last evaluated: 2020-12-25. Review status: criteria provided, single submitter. Criteria: Invitae Variant Classification Sherloc (09022015). Collection method: clinical testing. Allele origin: germline.
Comment: In summary, the available evidence is currently insufficient to determine the role of this variant in disease. Therefore, it has been classified as a Variant of Uncertain Significance. Algorithms developed to predict the effect of missense changes on protein structure and function are either unavailable or do not agree on the potential impact of this missense change (SIFT: "Tolerated"; PolyPhen-2: "Possibly Damaging"; Align-GVGD: "Class C0"). This variant has not been reported in the literature in individuals with MAX-related conditions. This variant is not present in population databases (ExAC no frequency). This sequence change replaces glycine with arginine at codon 137 of the MAX protein (p.Gly137Arg). The glycine residue is highly conserved and there is a moderate physicochemical difference between glycine and arginine.

NM_002382.5(MAX):c.409G>C (p.Gly137Arg)

Gene: MAX (MYC associated transcriptional regulator X; minus strand). Cytogenetic location: 14q23.3.
Variant type: single nucleotide variant.
Coding change: c.409G>C on transcript NM_002382.5 (MANE Select); coding-DNA position 409, G replaced by C.
Protein change: p.Gly137Arg; replaces glycine 137 with arginine.
Molecular consequence: missense variant. On other transcripts: 3 prime UTR variant (1), intron variant (2).
Genome position (GRCh38, 1-based): chr14:65,076,550, C>G on the plus strand (G>C on the coding strand, the complement: MAX is on the minus strand). VCF-style: chr14-65076550-C-G. GRCh37 (hg19) VCF-style: chr14-65543268-C-G.
Other names: c.220G>C, p.Gly74Arg (NM_001320415.2, NM_001407105.1, NM_001407106.1 and 1 more transcripts); c.409G>C, p.Gly137Arg (NM_001407094.1); c.382G>C, p.Gly128Arg (NM_001407095.1, NM_145112.3); c.*182G>C (NM_001407096.1, NM_001407099.1, NM_001407102.1 and 2 more transcripts); c.*198G>C (NM_001407097.1, NM_001407100.1, NM_001407101.1 and 4 more transcripts); c.301G>C, p.Gly101Arg (NM_001407098.1); c.208G>C, p.Gly70Arg (NM_001407111.1, NM_001407112.1); c.144+17158G>C (NM_001271069.2); and 1 more; short protein forms G128R, G137R, G74R, G70R, G101R.
Identifiers: ClinVar variation 1497440 (VCV001497440.9), dbSNP rs17852278, ClinGen allele CA390031485.